The following is an entry in ClinVar:

ClinVar aggregate classification (germline): Conflicting classifications of pathogenicity. Review status: criteria provided, conflicting classifications (1 of 4 stars). 3 submissions from 3 submitters: Uncertain significance (2); Likely benign (1). Last evaluated 2025-12-24.

Conditions:
Familial thoracic aortic aneurysm and aortic dissection (TAAD). Also called: Thoracic aortic aneurysms and dissections. Identifiers: Orphanet 91387, MedGen C4707243, MONDO:0019625.
Ehlers-Danlos syndrome, classic type, 1 (EDSCL1). Also called: Ehlers-Danlos syndrome, type 1; EHLERS-DANLOS SYNDROME, GRAVIS TYPE; EHLERS-DANLOS SYNDROME, SEVERE CLASSIC TYPE; EDS I; Ehlers-Danlos Syndrome, Classic Type, COL5A1-Related. Identifiers: MedGen C0268335, MONDO:0019567, OMIM 130000.

Allele frequency attached by ClinVar (database versions not stated): gnomAD exomes below 0.00001 and 0.00002; TOPMed 0.00002; gnomAD 0.00002.
gnomAD v4.1: 31 of 1,613,000 alleles (0.0019%); highest among the groups gnomAD compares: Non-Finnish European, 0.0025%; no homozygotes.

Submissions (3):

Ambry Genetics
Classification: Uncertain significance for Familial thoracic aortic aneurysm and aortic dissection. Last evaluated: 2025-12-24. Review status: criteria provided, single submitter. Criteria: Ambry Variant Classification Scheme 2023. Collection method: clinical testing. Allele origin: germline.
Comment: The p.P1213S variant (also known as c.3637C>T), located in coding exon 51 of the COL5A2 gene, results from a C to T substitution at nucleotide position 3637. The proline at codon 1213 is replaced by serine, an amino acid with similar properties. This amino acid position is conserved. In addition, the in silico prediction for this alteration is inconclusive. Based on the available evidence, the clinical significance of this variant remains unclear.

Labcorp Genetics (formerly Invitae), Labcorp
Classification: Likely benign for Ehlers-Danlos syndrome, classic type, 1. Last evaluated: 2025-11-03. Review status: criteria provided, single submitter. Criteria: Invitae Variant Classification Sherloc (09022015). Collection method: clinical testing. Allele origin: germline.

GeneDx
Classification: Uncertain significance. Last evaluated: 2023-02-27. Review status: criteria provided, single submitter. Criteria: GeneDx Variant Classification Process June 2021. Collection method: clinical testing. Allele origin: germline. Affected: yes.
Comment: Has not been previously published as pathogenic or benign to our knowledge; Not observed at significant frequency in large population cohorts (gnomAD); In silico analysis supports that this missense variant has a deleterious effect on protein structure/function

NM_000393.5(COL5A2):c.3637C>T (p.Pro1213Ser)

Gene: COL5A2 (collagen type V alpha 2 chain; minus strand). Cytogenetic location: 2q32.2.
Variant type: single nucleotide variant.
Coding change: c.3637C>T on transcript NM_000393.5 (MANE Select); coding-DNA position 3637, C replaced by T.
Protein change: p.Pro1213Ser; replaces proline 1213 with serine.
Molecular consequence: missense variant.
Genome position (GRCh38, 1-based): chr2:189,039,560, G>A on the plus strand (C>T on the coding strand, the complement: COL5A2 is on the minus strand). VCF-style: chr2-189039560-G-A. GRCh37 (hg19) VCF-style: chr2-189904286-G-A.
Other names: short protein forms P1213S.
Identifiers: ClinVar variation 961568 (VCV000961568.11), dbSNP rs780899667, ClinGen allele CA62585398.